The following is an entry in ClinVar:

ClinVar aggregate classification (germline): Likely benign (1 of 4 stars; one submission).

Allele frequency attached by ClinVar (database versions not stated): 1000 Genomes Project 0.00300; 1000 Genomes Project 30x 0.00344; gnomAD exomes 0.00718; ExAC 0.01374; TOPMed 0.00547; gnomAD 0.00592.
gnomAD v4.1: 9,157 of 1,301,496 alleles (0.7%); highest among the groups gnomAD compares: Middle Eastern, 2.2%; 32 homozygotes.

Submission:

CeGaT Center for Human Genetics Tuebingen
Classification: Likely benign. Last evaluated: 2023-03-01. Review status: criteria provided, single submitter. Criteria: CeGaT Center For Human Genetics Tuebingen Variant Classification Criteria Version 2. Collection method: clinical testing. Allele origin: germline. Affected: yes. Observed: 1 variant allele.
Comment: SELENOO: BP4, BP7, BS2

NM_031454.2(SELENOO):c.105C>G (p.Gly35=)

Genes: SELENOO (selenoprotein O; plus strand), LOC130067822 (ATAC-STARR-seq lymphoblastoid silent region 13956; plus strand). Cytogenetic location: 22q13.33.
Variant type: single nucleotide variant.
Coding change: c.105C>G on transcript NM_031454.2 (MANE Select); coding-DNA position 105, C replaced by G.
Protein change: p.Gly35=; no amino-acid change (glycine 35 retained).
Molecular consequence: synonymous variant.
Genome position (GRCh38, 1-based): chr22:50,201,141, C>G. VCF-style: chr22-50201141-C-G. GRCh37 (hg19) VCF-style: chr22-50639570-C-G.
Identifiers: ClinVar variation 2653367 (VCV002653367.24), dbSNP rs528120489, ClinGen allele CA10306134.